The following is an entry in ClinVar:

NM_000059.4(BRCA2):c.475+5G>T

Gene: BRCA2 (BRCA2 DNA repair associated; plus strand). Cytogenetic location: 13q13.1.
Variant type: single nucleotide variant.
Coding change: c.475+5G>T on transcript NM_000059.4 (MANE Select); 5 bases into the intron after coding-DNA position 475, G replaced by T.
Molecular consequence: intron variant.
Genome position (GRCh38, 1-based): chr13:32,326,155, G>T. VCF-style: chr13-32326155-G-T. GRCh37 (hg19) VCF-style: chr13-32900292-G-T.
Identifiers: ClinVar variation 182176 (VCV000182176.9), dbSNP rs730881504, ClinGen allele CA020775.

ClinVar aggregate classification (germline): Conflicting classifications of pathogenicity. Review status: criteria provided, conflicting classifications (1 of 4 stars). 4 submissions from 4 submitters: Pathogenic (1); Likely pathogenic (1); Uncertain significance (2). Last evaluated 2025-02-06.

Conditions:
Hereditary cancer-predisposing syndrome. Also called: Tumor predisposition; Hereditary Cancer Syndrome; Hereditary neoplastic syndrome; Neoplastic Syndromes, Hereditary. Identifiers: Orphanet 140162, MedGen C0027672, MeSH D009386, MONDO:0015356.
Hereditary breast ovarian cancer syndrome. Also called: Breast and ovarian cancer; Hereditary breast and ovarian cancer; Hereditary breast and/or ovarian cancer syndrome; BRCA1- and BRCA2-Associated Hereditary Breast and Ovarian Cancer; Hereditary breast and ovarian cancer syndrome (HBOC); Hereditary breast and ovarian cancer syndrome. Identifiers: Orphanet 145, MedGen C0677776, MeSH D061325, MONDO:0003582. Disease mechanism: loss of function.

Submissions (4):

Ambry Genetics
Classification: Uncertain significance for Hereditary cancer-predisposing syndrome. Last evaluated: 2025-02-06. Review status: criteria provided, single submitter. Criteria: Ambry Variant Classification Scheme 2023. Collection method: clinical testing. Allele origin: germline.
Comment: The c.475+5G>T intronic variant results from a G to T substitution 5 nucleotides after coding exon 4 in the BRCA2 gene. This nucleotide position is highly conserved in available vertebrate species. In silico splice site analysis predicts that this alteration may weaken the native splice donor site. RNA studies have demonstrated that this alteration results in a splice defect; the clinical impact of this abnormal splicing is unknown at this time (Ambry internal data; Rofes P et al. J Mol Diagn. 2020 Dec;22(12):1453-1468). Based on the available evidence, the clinical significance of this variant remains unclear.

Women's Health and Genetics/Laboratory Corporation of America, LabCorp
Classification: Likely pathogenic for Hereditary breast ovarian cancer syndrome. Last evaluated: 2024-11-16. Review status: criteria provided, single submitter. Criteria: LabCorp Variant Classification Summary - May 2015. Collection method: clinical testing. Allele origin: germline.
Comment: Variant summary: BRCA2 c.475+5G>T alters a conserved nucleotide located close to a canonical splice site and therefore could affect mRNA splicing, leading to a significantly altered protein sequence. Several computational tools predict a significant impact on normal splicing: Three predict the variant weakens the canonical 5' splicing donor site. At least one publication reports experimental evidence that this variant affects mRNA splicing resulting in a transcript lacking exon 5 which would cause out of frame exon skipping (Rofes_2020, supported by internal data). The variant was absent in 251000 control chromosomes. c.475+5G>T has been reported in the literature in at-least one individual affected with Ovarian Cancer (example, Rofes_2020). The following publication have been ascertained in the context of this evaluation (PMID: 33011440). ClinVar contains an entry for this variant (Variation ID: 182176). Based on the evidence outlined above, the variant was classified as likely pathogenic.

Labcorp Genetics (formerly Invitae), Labcorp
Classification: Pathogenic for Hereditary breast ovarian cancer syndrome. Last evaluated: 2024-02-05. Review status: criteria provided, single submitter. Criteria: Invitae Variant Classification Sherloc (09022015). Collection method: clinical testing. Allele origin: germline.
Comment: This sequence change falls in intron 5 of the BRCA2 gene. It does not directly change the encoded amino acid sequence of the BRCA2 protein. RNA analysis indicates that this variant induces altered splicing and may result in an absent or disrupted protein product. This variant is not present in population databases (gnomAD no frequency). This variant has been observed in individual(s) with ovarian cancer (PMID: 33011440). ClinVar contains an entry for this variant (Variation ID: 182176). Variants that disrupt the consensus splice site are a relatively common cause of aberrant splicing (PMID: 17576681, 9536098). Studies have shown that this variant results in skipping of exon 5 and introduces a premature termination codon (PMID: 33011440; Invitae). The resulting mRNA is expected to undergo nonsense-mediated decay. For these reasons, this variant has been classified as Pathogenic.

GeneDx
Classification: Uncertain significance. Last evaluated: 2014-02-04. Review status: criteria provided, single submitter. Criteria: GeneDx Variant Classification (06012015). Collection method: clinical testing. Allele origin: germline. Affected: yes.
Comment: This variant is denoted BRCA2 IVS5+5G>T or c.475+5G>T and consists of a G>T nucleotide substitution at the +5 position of intron 5 of the BRCA2 gene. Multiple in silico models predict this variant to weaken the nearby natural donor site, and to possibly cause abnormal gene splicing. This variant has not, to our knowledge, been published in the literature as pathogenic or benign. BRCA2 c.475+5G>T was not observed in approximately 6,500 individuals of European and African American ancestry in the NHLBI Exome Sequencing Project, indicating it is not a common benign variant in these populations. This variant occurs at a position that is well conserved throughout evolution. Based on currently available information, we consider BRCA2 c.475+5G>T to be a variant of uncertain significance.

Literature cited by the submitters: PubMed 33011440 (cited by 3 submitters); PubMed 17576681 (cited by Labcorp Genetics (formerly Invitae), Labcorp); PubMed 9536098 (cited by Labcorp Genetics (formerly Invitae), Labcorp).